The following is an entry in ClinVar:

ClinVar aggregate classification (germline): Uncertain significance. Review status: criteria provided, multiple submitters, no conflicts (2 of 4 stars). 2 submissions from 2 submitters: Uncertain significance (2). Last evaluated 2025-04-19.

Conditions:
Inborn genetic diseases. Identifiers: MedGen C0950123, MeSH D030342.

Allele frequency attached by ClinVar (database versions not stated): gnomAD exomes below 0.00001.

Submissions (2):

Ambry Genetics
Classification: Uncertain significance for Inborn genetic diseases. Last evaluated: 2025-04-19. Review status: criteria provided, single submitter. Criteria: Ambry Variant Classification Scheme 2023. Collection method: clinical testing. Allele origin: germline.
Comment: The p.G1544E variant (also known as c.4631G>A), located in coding exon 1 of the SAMD9 gene, results from a G to A substitution at nucleotide position 4631. The glycine at codon 1544 is replaced by glutamic acid, an amino acid with similar properties. This amino acid position is conserved. In addition, this alteration is predicted to be tolerated by in silico analysis. Based on the available evidence, the clinical significance of this variant remains unclear.

GeneDx
Classification: Uncertain significance. Last evaluated: 2023-03-01. Review status: criteria provided, single submitter. Criteria: GeneDx Variant Classification Process June 2021. Collection method: clinical testing. Allele origin: germline. Affected: yes.
Comment: Not observed at significant frequency in large population cohorts (gnomAD); In silico analysis supports that this missense variant has a deleterious effect on protein structure/function; Has not been previously published as pathogenic or benign to our knowledge; This variant is associated with the following publications: (PMID: 28545555)

NM_017654.4(SAMD9):c.4631G>A (p.Gly1544Glu)

Gene: SAMD9 (sterile alpha motif domain containing 9; minus strand). Cytogenetic location: 7q21.2.
Variant type: single nucleotide variant.
Coding change: c.4631G>A on transcript NM_017654.4 (MANE Select); coding-DNA position 4631, G replaced by A.
Protein change: p.Gly1544Glu; replaces glycine 1544 with glutamic acid.
Molecular consequence: missense variant.
Genome position (GRCh38, 1-based): chr7:93,101,467, C>T on the plus strand (G>A on the coding strand, the complement: SAMD9 is on the minus strand). VCF-style: chr7-93101467-C-T. GRCh37 (hg19) VCF-style: chr7-92730780-C-T.
Other names: c.4631G>A, p.Gly1544Glu (NM_001193307.2); short protein forms G1544E.
Identifiers: ClinVar variation 2578258 (VCV002578258.2), dbSNP rs1246626623, ClinGen allele CA368176950.